The following is an entry in ClinVar:

ClinVar aggregate classification (germline): Uncertain significance (1 of 4 stars; one submission).

Submission:

Labcorp Genetics (formerly Invitae), Labcorp
Classification: Uncertain significance. Last evaluated: 2024-03-04. Review status: criteria provided, single submitter. Criteria: Invitae Variant Classification Sherloc (09022015). Collection method: clinical testing. Allele origin: germline.
Comment: This sequence change replaces lysine, which is basic and polar, with glutamic acid, which is acidic and polar, at codon 21 of the PDE6H protein (p.Lys21Glu). This variant is not present in population databases (gnomAD no frequency). This variant has not been reported in the literature in individuals affected with PDE6H-related conditions. ClinVar contains an entry for this variant (Variation ID: 1044479). An algorithm developed to predict the effect of missense changes on protein structure and function (PolyPhen-2) suggests that this variant is likely to be tolerated. In summary, the available evidence is currently insufficient to determine the role of this variant in disease. Therefore, it has been classified as a Variant of Uncertain Significance.

NM_006205.3(PDE6H):c.61A>G (p.Lys21Glu)

Gene: PDE6H (phosphodiesterase 6H; plus strand). Cytogenetic location: 12p12.3.
Variant type: single nucleotide variant.
Coding change: c.61A>G on transcript NM_006205.3 (MANE Select); coding-DNA position 61, A replaced by G.
Protein change: p.Lys21Glu; replaces lysine 21 with glutamic acid.
Molecular consequence: missense variant.
Genome position (GRCh38, 1-based): chr12:14,978,073, A>G. VCF-style: chr12-14978073-A-G. GRCh37 (hg19) VCF-style: chr12-15131007-A-G.
Other names: short protein forms K21E.
Identifiers: ClinVar variation 1044479 (VCV001044479.8), dbSNP rs1864624045, ClinGen allele CA384023914.